The following is an entry in ClinVar:

ClinVar aggregate classification (germline): Uncertain significance (1 of 4 stars; one submission).

Submission:

Labcorp Genetics (formerly Invitae), Labcorp
Classification: Uncertain significance. Last evaluated: 2022-07-12. Review status: criteria provided, single submitter. Criteria: Invitae Variant Classification Sherloc (09022015). Collection method: clinical testing. Allele origin: germline.
Comment: In summary, the available evidence is currently insufficient to determine the role of this variant in disease. Therefore, it has been classified as a Variant of Uncertain Significance. Algorithms developed to predict the effect of missense changes on protein structure and function (SIFT, PolyPhen-2, Align-GVGD) all suggest that this variant is likely to be disruptive. ClinVar contains an entry for this variant (Variation ID: 1476997). This variant has not been reported in the literature in individuals affected with RUSC2-related conditions. This variant is not present in population databases (gnomAD no frequency). This sequence change replaces isoleucine, which is neutral and non-polar, with valine, which is neutral and non-polar, at codon 1282 of the RUSC2 protein (p.Ile1282Val).

NM_014806.5(RUSC2):c.3844A>G (p.Ile1282Val)

Gene: RUSC2 (RUN and SH3 domain containing 2; plus strand). Cytogenetic location: 9p13.3.
Variant type: single nucleotide variant.
Coding change: c.3844A>G on transcript NM_014806.5 (MANE Select); coding-DNA position 3844, A replaced by G.
Protein change: p.Ile1282Val; replaces isoleucine 1282 with valine.
Molecular consequence: missense variant. On other transcripts: non-coding transcript variant (1).
Genome position (GRCh38, 1-based): chr9:35,560,484, A>G. VCF-style: chr9-35560484-A-G. GRCh37 (hg19) VCF-style: chr9-35560481-A-G.
Other names: c.3844A>G, p.Ile1282Val (NM_001135999.2); c.1210A>G, p.Ile404Val (NM_001330740.2); short protein forms I1282V, I404V.
Identifiers: ClinVar variation 1476997 (VCV001476997.6), dbSNP rs201440892, ClinGen allele CA373355209.